The following is an entry in ClinVar:

NC_000004.11:g.(?_101950303)_(102267953_?)dup

Gene: PPP3CA (protein phosphatase 3 catalytic subunit alpha; minus strand). Cytogenetic location: 4q24.
Variant type: Duplication.
Identifiers: ClinVar variation 3246709 (VCV003246709.1).

ClinVar aggregate classification (germline): Uncertain significance (1 of 4 stars; one submission).

Submission:

Labcorp Genetics (formerly Invitae), Labcorp
Classification: Uncertain significance. Last evaluated: 2023-10-13. Review status: criteria provided, single submitter. Criteria: Invitae Variant Classification Sherloc (09022015). Collection method: clinical testing. Allele origin: unknown.
Comment: This variant results in a copy number gain of the genomic region encompassing exon(s) 1-13 of the PPP3CA gene. This region includes the initiator codon of the gene. This copy number gain extends beyond the assayed region for this gene and therefore may encompass additional genes. As the precise location of this event is unknown, it may be in tandem or it may be located elsewhere in the genome. This variant has not been reported in the literature in individuals affected with PPP3CA-related conditions. In summary, the available evidence is currently insufficient to determine the role of this variant in disease. Therefore, it has been classified as a Variant of Uncertain Significance.